The following is an entry in ClinVar:

ClinVar aggregate classification (germline): Likely benign. Review status: criteria provided, multiple submitters, no conflicts (2 of 4 stars). 2 submissions from 2 submitters: Likely benign (2). Last evaluated 2024-07-01.

Allele frequency attached by ClinVar (database versions not stated): ExAC 0.00025; gnomAD 0.00060; TOPMed 0.00076; ESP Exome Variant Server 0.00100; 1000 Genomes Project 0.00120; 1000 Genomes Project 30x 0.00125.

Submissions (2):

CeGaT Center for Human Genetics Tuebingen
Classification: Likely benign. Last evaluated: 2024-07-01. Review status: criteria provided, single submitter. Criteria: CeGaT Center For Human Genetics Tuebingen Variant Classification Criteria Version 2. Collection method: clinical testing. Allele origin: germline. Affected: yes. Observed: 2 variant alleles.
Comment: FLG: BP4, BP7

Blueprint Genetics
Classification: Likely benign. Last evaluated: 2024-03-28. Review status: criteria provided, single submitter. Criteria: ACMG Guidelines, 2015. Collection method: clinical testing. Allele origin: germline.

NM_002016.2(FLG):c.2436C>A (p.Pro812=)

Genes: CCDST (cervical cancer associated DHX9 suppressive transcript; plus strand), FLG (filaggrin; minus strand). Cytogenetic location: 1q21.3.
Variant type: single nucleotide variant.
Coding change: c.2436C>A on transcript NM_002016.2 (MANE Select); coding-DNA position 2436, C replaced by A.
Protein change: p.Pro812=; no amino-acid change (proline 812 retained).
Molecular consequence: synonymous variant.
Genome position (GRCh38, 1-based): chr1:152,312,450, G>T on the plus strand (C>A on the coding strand, the complement: FLG is on the minus strand). VCF-style: chr1-152312450-G-T. GRCh37 (hg19) VCF-style: chr1-152284926-G-T.
Identifiers: ClinVar variation 2639312 (VCV002639312.25), dbSNP rs144399128, ClinGen allele CA1107171.